The following is an entry in ClinVar:

ClinVar aggregate classification (germline): Uncertain significance (1 of 4 stars; one submission).

Allele frequency attached by ClinVar (database versions not stated): gnomAD exomes 0.00001; TOPMed 0.00002; gnomAD 0.00004.
gnomAD v4.1: 22 of 1,547,346 alleles (0.0014%); highest among the groups gnomAD compares: Admixed American, 0.002%; no homozygotes.

Submission:

Labcorp Genetics (formerly Invitae), Labcorp
Classification: Uncertain significance. Last evaluated: 2022-07-05. Review status: criteria provided, single submitter. Criteria: Invitae Variant Classification Sherloc (09022015). Collection method: clinical testing. Allele origin: germline.
Comment: This sequence change replaces proline, which is neutral and non-polar, with serine, which is neutral and polar, at codon 3251 of the ZNF469 protein (p.Pro3251Ser). This variant is present in population databases (no rsID available, gnomAD 0.002%). This variant has not been reported in the literature in individuals affected with ZNF469-related conditions. ClinVar contains an entry for this variant (Variation ID: 1499706). Algorithms developed to predict the effect of missense changes on protein structure and function output the following: SIFT: "Tolerated"; PolyPhen-2: "Benign"; Align-GVGD: "Class C0". The serine amino acid residue is found in multiple mammalian species, which suggests that this missense change does not adversely affect protein function. In summary, the available evidence is currently insufficient to determine the role of this variant in disease. Therefore, it has been classified as a Variant of Uncertain Significance.

NM_001367624.2(ZNF469):c.9835C>T (p.Pro3279Ser)

Gene: ZNF469 (zinc finger protein 469; plus strand). Cytogenetic location: 16q24.2.
Variant type: single nucleotide variant.
Coding change: c.9835C>T on transcript NM_001367624.2 (MANE Select); coding-DNA position 9835, C replaced by T.
Protein change: p.Pro3279Ser; replaces proline 3279 with serine.
Molecular consequence: missense variant.
Genome position (GRCh38, 1-based): chr16:88,437,305, C>T. VCF-style: chr16-88437305-C-T. GRCh37 (hg19) VCF-style: chr16-88503713-C-T.
Other names: short protein forms P3279S.
Identifiers: ClinVar variation 1499706 (VCV001499706.3), dbSNP rs1351077994, ClinGen allele CA397124828.
Genomic context (GRCh38, chr16:88,437,305, plus strand): 5'-GAGGGAGAAGCCAAGAAAGACAGCCCGGGCGAGAGGGCGAAACCCCGGGCACGCAGCACC[C>T]CCAGCAACCCAGACGGGGCCGCGACCCCAGACAGCGCCTCTGCCACCGCCCTGGCTGACG-3'
Protein context (NP_001354553.1, residues 3269-3289): ERAKPRARST[Pro3279Ser]SNPDGAATPD